The following is an entry in ClinVar:

ClinVar aggregate classification (germline): Pathogenic (1 of 4 stars; one submission).

Conditions:
Hereditary cancer-predisposing syndrome. Also called: Neoplastic Syndromes, Hereditary; Tumor predisposition; Hereditary Cancer Syndrome; Hereditary neoplastic syndrome. Identifiers: Orphanet 140162, MedGen C0027672, MeSH D009386, MONDO:0015356.

Submission:

Ambry Genetics
Classification: Pathogenic for Hereditary cancer-predisposing syndrome. Last evaluated: 2023-09-05. Review status: criteria provided, single submitter. Criteria: Ambry Variant Classification Scheme 2023. Collection method: clinical testing. Allele origin: germline.
Comment: The c.250_253delCTTT pathogenic mutation, located in coding exon 5 of the SDHC gene, results from a deletion of 4 nucleotides at nucleotide positions 250 to 253, causing a translational frameshift with a predicted alternate stop codon (p.F85Afs*18). This alteration is expected to result in loss of function by premature protein truncation or nonsense-mediated mRNA decay. As such, this alteration is interpreted as a disease-causing mutation.

NM_003001.5(SDHC):c.250_253del (p.Phe85fs)

Gene: SDHC (succinate dehydrogenase complex subunit C; plus strand). Cytogenetic location: 1q23.3.
Variant type: Deletion.
Coding change: c.250_253del on transcript NM_003001.5 (MANE Select); coding-DNA positions 250 to 253, 4 bases deleted (CTTT; older notation c.250_253delCTTT).
Protein change: p.Phe85fs; shifts the reading frame from phenylalanine 85.
Molecular consequence: frameshift variant. On other transcripts: non-coding transcript variant (1), intron variant (3).
Genome position (GRCh38, 1-based): chr1:161,356,685-161,356,688, CTTT deleted; deleting any 4 consecutive bases within chr1:161,356,684-161,356,688 gives the same sequence; the c. name uses the placement nearest the transcript's 3' end. VCF-style (leftmost placement, unchanged base first): chr1-161356683-CTCTT-C. GRCh37 (hg19) VCF-style: chr1-161326473-CTCTT-C.
Other names: c.148_151del, p.Phe51fs (NM_001035512.3); c.91_94del, p.Phe32fs (NM_001035513.3); c.370_373del, p.Phe125fs (NM_001407115.1); c.193_196del, p.Phe66fs (NM_001407116.1); c.187_190del, p.Phe64fs (NM_001407117.1); c.142_145del, p.Phe49fs (NM_001407118.1); c.139_142del, p.Phe48fs (NM_001407119.1, NM_001407120.1); c.242-5644_242-5641del (NM_001035511.3); and 2 more; short protein forms F32fs, F51fs, F85fs, F125fs, F48fs, F66fs, F64fs, F49fs.
Identifiers: ClinVar variation 821378 (VCV000821378.6), dbSNP rs1571889991, ClinGen allele CA913189108.